The following is an entry in ClinVar:

ClinVar aggregate classification (germline): Uncertain significance (1 of 4 stars; one submission).

Conditions:
Inborn genetic diseases. Identifiers: MedGen C0950123, MeSH D030342.

Allele frequency attached by ClinVar (database versions not stated): TOPMed below 0.00001.

Submission:

Ambry Genetics
Classification: Uncertain significance for Inborn genetic diseases. Last evaluated: 2022-06-12. Review status: criteria provided, single submitter. Criteria: Ambry Variant Classification Scheme 2023. Collection method: clinical testing. Allele origin: germline.
Comment: The p.P614S variant (also known as c.1840C>T), located in coding exon 6 of the SMPD1 gene, results from a C to T substitution at nucleotide position 1840. The proline at codon 614 is replaced by serine, an amino acid with similar properties. This amino acid position is conserved. In addition, this alteration is predicted to be tolerated by in silico analysis. Since supporting evidence is limited at this time, the clinical significance of this alteration remains unclear.

NM_000543.5(SMPD1):c.1840C>T (p.Pro614Ser)

Gene: SMPD1 (sphingomyelin phosphodiesterase 1; plus strand). Cytogenetic location: 11p15.4.
Variant type: single nucleotide variant.
Coding change: c.1840C>T on transcript NM_000543.5 (MANE Select); coding-DNA position 1840, C replaced by T.
Protein change: p.Pro614Ser; replaces proline 614 with serine.
Molecular consequence: missense variant. On other transcripts: 3 prime UTR variant (1), non-coding transcript variant (2).
Genome position (GRCh38, 1-based): chr11:6,394,551, C>T. VCF-style: chr11-6394551-C-T. GRCh37 (hg19) VCF-style: chr11-6415781-C-T.
Other names: c.1837C>T, p.Pro613Ser (NM_001007593.3); c.*333C>T (NM_001318087.2); c.919C>T, p.Pro307Ser (NM_001318088.2); c.1708C>T, p.Pro570Ser (NM_001365135.2); short protein forms P613S, P614S, P307S, P570S.
Identifiers: ClinVar variation 1781150 (VCV001781150.2), dbSNP rs1433314288, ClinGen allele CA379377317.